The following is an entry in ClinVar:

NM_000195.5(HPS1):c.928C>T (p.Gln310Ter)

Gene: HPS1 (HPS1 biogenesis of lysosomal organelles complex 3 subunit 1; minus strand). Cytogenetic location: 10q24.2.
Variant type: single nucleotide variant.
Coding change: c.928C>T on transcript NM_000195.5 (MANE Select); coding-DNA position 928, C replaced by T.
Protein change: p.Gln310Ter; replaces glutamine 310 with a stop codon.
Molecular consequence: nonsense. On other transcripts: 5 prime UTR variant (3), synonymous variant (2).
Genome position (GRCh38, 1-based): chr10:98,429,582, G>A on the plus strand (C>T on the coding strand, the complement: HPS1 is on the minus strand). VCF-style: chr10-98429582-G-A. GRCh37 (hg19) VCF-style: chr10-100189339-G-A.
Other names: NM_182639.4:c.928C>T; c.-45C>T (NM_001322489.2, NM_001311345.2, NM_001322487.2); c.810C>T, p.Ile270= (NM_001322490.2); c.829C>T, p.Gln277Ter (NM_001322491.2, NM_001322478.2, NM_001322479.2); c.711C>T, p.Ile237= (NM_001322492.2); c.928C>T, p.Gln310Ter (NM_182639.4, NM_001322476.2, NM_001322477.2); c.667C>T, p.Gln223Ter (NM_001322480.2, NM_001322481.2); c.568C>T, p.Gln190Ter (NM_001322482.2); and 2 more; short protein forms Q154*, Q187*, Q190*, Q223*, Q277*, Q310*.
Identifiers: ClinVar variation 1341381 (VCV001341381.1), dbSNP rs748939090, ClinGen allele CA5639218.

ClinVar aggregate classification (germline): Pathogenic (1 of 4 stars; one submission).

Conditions:
Hermansky-Pudlak syndrome (HPS). Also called: ALBINISM WITH HEMORRHAGIC DIATHESIS AND PIGMENTED RETICULOENDOTHELIAL CELLS. Identifiers: Orphanet 79430, MedGen C0079504, MONDO:0019312.

Allele frequency attached by ClinVar (database versions not stated): ExAC 0.00002; gnomAD exomes below 0.00001.
gnomAD v4.1: 2 of 1,614,216 alleles (0.00012%); highest among the groups gnomAD compares: Admixed American, 0.0017%; no homozygotes.

Submission:

Broad Center for Mendelian Genomics, Broad Institute of MIT and Harvard
Classification: Pathogenic for Hermansky-Pudlak syndrome. Last evaluated: 2021-11-29. Review status: criteria provided, single submitter. Criteria: ACMG Guidelines, 2015. Collection method: curation. Allele origin: germline. Inheritance: Autosomal recessive inheritance.
Comment: The p.Gln310Ter variant in HPS1 has been reported in 1 individual, in the homozygous state, with Hermansky-Pudlak syndrome (PMID: 32969595), and has been identified in 0.003% (1/34588) of Latino/Admixed American chromosomes by the Genome Aggregation Database (gnomAD; dbSNP ID: rs748939090). Although this variant has been seen in the general population in a heterozygous state, its frequency is low enough to be consistent with a recessive carrier frequency. This nonsense variant leads to a premature termination codon at position 310, which is predicted to lead to a truncated or absent protein. Loss of function of the HPS1 gene is an established disease mechanism in autosomal recessive Hermansky-Pudlak syndrome. In summary, this variant meets criteria to be classified as pathogenic for autosomal recessive Hermansky-Pudlak syndrome. ACMG/AMP Criteria applied: PM3_supporting, PM2_supporting, PVS1 (Richards 2015).